The following is an entry in ClinVar:

ClinVar aggregate classification (germline): Likely benign (1 of 4 stars; one submission).

Allele frequency attached by ClinVar (database versions not stated): gnomAD exomes below 0.00001; TOPMed 0.00001.
gnomAD v4.1: 4 of 1,613,084 alleles (0.00025%); highest among the groups gnomAD compares: Admixed American, 0.005%; no homozygotes.

Submission:

CeGaT Center for Human Genetics Tuebingen
Classification: Likely benign. Last evaluated: 2023-05-01. Review status: criteria provided, single submitter. Criteria: CeGaT Center For Human Genetics Tuebingen Variant Classification Criteria Version 2. Collection method: clinical testing. Allele origin: germline. Affected: yes. Observed: 1 variant allele.
Comment: GRIA4: BP4, BP7

NM_000829.4(GRIA4):c.2127T>C (p.Ala709=)

Gene: GRIA4 (glutamate ionotropic receptor AMPA type subunit 4; plus strand). Cytogenetic location: 11q22.3.
Variant type: single nucleotide variant.
Coding change: c.2127T>C on transcript NM_000829.4 (MANE Select); coding-DNA position 2127, T replaced by C.
Protein change: p.Ala709=; no amino-acid change (alanine 709 retained).
Molecular consequence: synonymous variant. On other transcripts: non-coding transcript variant (1).
Genome position (GRCh38, 1-based): chr11:105,933,802, T>C. VCF-style: chr11-105933802-T-C. GRCh37 (hg19) VCF-style: chr11-105804528-T-C.
Other names: c.2127T>C, p.Ala709= (NM_001077243.3).
Identifiers: ClinVar variation 2642340 (VCV002642340.24), dbSNP rs919883288, ClinGen allele CA228077536.
Genomic context (GRCh38, chr11:105,933,802, plus strand): 5'-TGAAAAGATGTGGACCTACATGCGATCAGCAGAGCCATCAGTATTCACTAGGACTACAGC[T>C]GAGGGAGTAGCTCGTGTCCGCAAATCCAAGGGCAAATTTGCCTTTCTCCTGGAGTCCACT-3'
Protein context (NP_000820.4, residues 699-719): AEPSVFTRTT[Ala709=]EGVARVRKSK